The following is an entry in ClinVar:

NM_004370.6(COL12A1):c.493G>A (p.Ala165Thr)

Gene: COL12A1 (collagen type XII alpha 1 chain; minus strand). Cytogenetic location: 6q13.
Variant type: single nucleotide variant.
Coding change: c.493G>A on transcript NM_004370.6 (MANE Select); coding-DNA position 493, G replaced by A.
Protein change: p.Ala165Thr; replaces alanine 165 with threonine.
Molecular consequence: missense variant. On other transcripts: intron variant (2).
Genome position (GRCh38, 1-based): chr6:75,189,717, C>T on the plus strand (G>A on the coding strand, the complement: COL12A1 is on the minus strand). VCF-style: chr6-75189717-C-T. GRCh37 (hg19) VCF-style: chr6-75899433-C-T.
Other names: c.493G>A, p.Ala165Thr (NM_001424113.1, NM_001424114.1, NM_001424115.1); c.73+13003G>A (NM_001424116.1, NM_080645.3); short protein forms A165T.
Identifiers: ClinVar variation 4792653 (VCV004792653.1).

ClinVar aggregate classification (germline): Uncertain significance (1 of 4 stars; one submission).

Conditions:
Ullrich congenital muscular dystrophy 2 (UCMD2). Identifiers: Orphanet 75840, MedGen C4225314, MONDO:0014654, OMIM 616470.
Bethlem myopathy 2 (BTHLM2). Identifiers: Orphanet 536516, Orphanet 610, MedGen C4225313, MONDO:0034022, OMIM 616471.

Submission:

Labcorp Genetics (formerly Invitae), Labcorp
Classification: Uncertain significance for Bethlem myopathy 2; Ullrich congenital muscular dystrophy 2. Last evaluated: 2025-08-21. Review status: criteria provided, single submitter. Criteria: Invitae Variant Classification Sherloc (09022015). Collection method: clinical testing. Allele origin: germline.
Comment: This sequence change replaces alanine, which is neutral and non-polar, with threonine, which is neutral and polar, at codon 165 of the COL12A1 protein (p.Ala165Thr). This variant is not present in population databases (gnomAD no frequency). This variant has not been reported in the literature in individuals affected with COL12A1-related conditions. Invitae Evidence Modeling of protein sequence and biophysical properties (such as structural, functional, and spatial information, amino acid conservation, physicochemical variation, residue mobility, and thermodynamic stability) indicates that this missense variant is not expected to disrupt COL12A1 protein function with a negative predictive value of 80%. In summary, the available evidence is currently insufficient to determine the role of this variant in disease. Therefore, it has been classified as a Variant of Uncertain Significance.